The following is an entry in ClinVar:

NM_003906.5(MCM3AP):c.2593del (p.Tyr864_Leu865insTer)

Gene: MCM3AP (minichromosome maintenance complex component 3 associated protein; minus strand). Cytogenetic location: 21q22.3.
Variant type: Deletion.
Coding change: c.2593del on transcript NM_003906.5 (MANE Select); coding-DNA position 2593, one base deleted (C; older notation c.2593delC).
Protein change: p.Tyr864_Leu865insTer.
Molecular consequence: nonsense.
Genome position (GRCh38, 1-based): chr21:46,270,436, G deleted on the plus strand (C on the coding strand, the reverse complement: MCM3AP is on the minus strand); the first of 2 consecutive G bases (chr21:46,270,436-46,270,437); deleting either gives the same sequence. VCF-style (leftmost placement, unchanged base first): chr21-46270435-AG-A. GRCh37 (hg19) VCF-style: chr21-47690349-AG-A.
Identifiers: ClinVar variation 4880661 (VCV004880661.2).

ClinVar aggregate classification (germline): Likely pathogenic (1 of 4 stars; one submission).

Submission:

Dasa
Classification: Likely pathogenic. Last evaluated: 2025-06-05. Review status: criteria provided, single submitter. Criteria: DASA Assertion Criteria. Collection method: clinical testing. Allele origin: germline.
Comment: NM_003906.5(MCM3AP):c.2593del (p.Leu865*) is a frameshift variant in MCM3AP predicted to alter the reading frame and introduce a premature termination codon and is predicted to result in an absent or altered protein product. Loss of function is an established disease mechanism for MCM3AP-associated disorders. Also, this variant is absent from population databases. Based on the currently available evidence, this variant is classified as likely pathogenic.